The following is an entry in ClinVar:

ClinVar aggregate classification (germline): Uncertain significance (1 of 4 stars; one submission).

Conditions:
Developmental and epileptic encephalopathy, 5 (DEE5). Identifiers: Orphanet 3451, MedGen C3150731, MONDO:0013277, OMIM 613477.

Allele frequency attached by ClinVar (database versions not stated): gnomAD exomes below 0.00001.
gnomAD v4.1: 1 of 1,614,050 alleles (0.000062%); highest among the groups gnomAD compares: Non-Finnish European, 0.000085%; no homozygotes.

Submission:

Victorian Clinical Genetics Services, Murdoch Childrens Research Institute
Classification: Uncertain significance for Developmental and epileptic encephalopathy, 5. Last evaluated: 2022-02-02. Review status: criteria provided, single submitter. Criteria: ACMG Guidelines, 2015. Collection method: clinical testing. Allele origin: germline. Inheritance: Autosomal dominant inheritance.
Comment: Based on the classification scheme VCGS_Germline_v1.3.4, this variant is classified as VUS-3C. Following criteria are met: 0104 - Dominant negative is a known mechanism of disease in this gene and is associated with developmental and epileptic encephalopathy 5 (MIM#613477). Both missense variants and inframe deletions/duplications variants have been demonstrated to impair wildtype protein function (PMID: 20493457). (I) 0107 - This gene is associated with autosomal dominant disease. (I) 0115 - Variants in this gene are known to have variable expressivity. However, this is a rare occurrence (PMID: 32811770). (I) 0200 - Variant is predicted to result in a missense amino acid change from alanine to threonine. (I) 0251 - This variant is heterozygous. (I) 0301 - Variant is absent from gnomAD (both v2 and v3). (SP) 0503 - Missense variant consistently predicted to be tolerated by multiple in silico tools or not conserved in placental mammals with a minor amino acid change. (SB) 0600 - Variant is located in the annotated spectrin repeat domain (NCBI, UniProt). (I) 0705 - No comparable missense variants have previous evidence for pathogenicity. (I) 0807 - This variant has no previous evidence of pathogenicity. (I) 0905 - No published segregation evidence has been identified for this variant. (I) 1007 - No published functional evidence has been identified for this variant. (I) 1208 - Inheritance information for this variant is not currently available in this individual. (I) Legend: (SP) - Supporting pathogenic, (I) - Information, (SB) - Supporting benign

Literature cited by the submitters: PubMed 20493457; PubMed 32811770.

NM_001130438.3(SPTAN1):c.1708G>A (p.Ala570Thr)

Gene: SPTAN1 (spectrin alpha, non-erythrocytic 1; plus strand). Cytogenetic location: 9q34.11.
Variant type: single nucleotide variant.
Coding change: c.1708G>A on transcript NM_001130438.3 (MANE Select); coding-DNA position 1708, G replaced by A.
Protein change: p.Ala570Thr; replaces alanine 570 with threonine.
Molecular consequence: missense variant.
Genome position (GRCh38, 1-based): chr9:128,582,751, G>A. VCF-style: chr9-128582751-G-A. GRCh37 (hg19) VCF-style: chr9-131345030-G-A.
Other names: c.1708G>A, p.Ala570Thr (NM_001195532.2, NM_001363759.2, NM_001363765.2 and 5 more transcripts); c.1744G>A, p.Ala582Thr (NM_001375312.2, NM_001375318.1); short protein forms A570T, A582T.
Identifiers: ClinVar variation 1699257 (VCV001699257.3), dbSNP rs2131129868, ClinGen allele CA375055003.